The following is an entry in ClinVar:

NM_006593.4(TBR1):c.740C>T (p.Thr247Met)

Gene: TBR1 (T-box brain transcription factor 1; plus strand). Cytogenetic location: 2q24.2.
Variant type: single nucleotide variant.
Coding change: c.740C>T on transcript NM_006593.4 (MANE Select); coding-DNA position 740, C replaced by T.
Protein change: p.Thr247Met; replaces threonine 247 with methionine.
Molecular consequence: missense variant.
Genome position (GRCh38, 1-based): chr2:161,417,723, C>T. VCF-style: chr2-161417723-C-T. GRCh37 (hg19) VCF-style: chr2-162274234-C-T.
Other names: short protein forms T247M.
Identifiers: ClinVar variation 4074467 (VCV004074467.1).

ClinVar aggregate classification (germline): Uncertain significance (1 of 4 stars; one submission).

Submission:

GeneDx
Classification: Uncertain significance. Last evaluated: 2025-02-03. Review status: criteria provided, single submitter. Criteria: GeneDx Variant Classification Process June 2021. Collection method: clinical testing. Allele origin: germline. Affected: yes.
Comment: Not observed at significant frequency in large population cohorts (gnomAD); In silico analysis supports that this missense variant has a deleterious effect on protein structure/function; Has not been previously published as pathogenic or benign to our knowledge